The following is an entry in ClinVar:

NM_144498.4(OSBPL2):c.100A>G (p.Ile34Val)

Gene: OSBPL2 (oxysterol binding protein like 2; plus strand). Cytogenetic location: 20q13.33.
Variant type: single nucleotide variant.
Coding change: c.100A>G on transcript NM_144498.4 (MANE Select); coding-DNA position 100, A replaced by G.
Protein change: p.Ile34Val; replaces isoleucine 34 with valine.
Molecular consequence: missense variant. On other transcripts: 5 prime UTR variant (1), intron variant (1).
Genome position (GRCh38, 1-based): chr20:62,260,043, A>G. VCF-style: chr20-62260043-A-G. GRCh37 (hg19) VCF-style: chr20-60835099-A-G.
Other names: c.-267A>G (NM_001363878.2); c.64A>G, p.Ile22Val (NM_014835.5); c.-184-3573A>G (NM_001278649.3); c.100A>G (NM_144498.2); short protein forms I22V, I34V.
Identifiers: ClinVar variation 2404093 (VCV002404093.3), dbSNP rs917436743, ClinGen allele CA317235795.
Genomic context (GRCh38, chr20:62,260,043, plus strand): 5'-TTTGATTCTGATAACTCTTCTGGGGAATTTTCAGAGGCAAATCAGAAAGTCACGGGAATG[A>G]TTGACTTAGACACCAGCAAAAATAATAGGATTGGGAAAACTGGGGAGAGGCCCTCTCAAG-3'
Protein context (NP_653081.1, residues 24-44): SEANQKVTGM[Ile34Val]DLDTSKNNRI

ClinVar aggregate classification (germline): Uncertain significance. Review status: criteria provided, multiple submitters, no conflicts (2 of 4 stars). 2 submissions from 2 submitters: Uncertain significance (2). Last evaluated 2024-07-26.

Conditions:
Inborn genetic diseases. Identifiers: MedGen C0950123, MeSH D030342.

Allele frequency attached by ClinVar (database versions not stated): gnomAD exomes 0.00001; TOPMed 0.00001.
gnomAD v4.1: 3 of 1,613,424 alleles (0.00019%); highest among the groups gnomAD compares: Admixed American, 0.005%; no homozygotes.

Submissions (2):

GeneDx
Classification: Uncertain significance. Last evaluated: 2024-07-26. Review status: criteria provided, single submitter. Criteria: GeneDx Variant Classification Process June 2021. Collection method: clinical testing. Allele origin: germline. Affected: yes.
Comment: In silico analysis indicates that this missense variant does not alter protein structure/function; Has not been previously published as pathogenic or benign to our knowledge

Ambry Genetics
Classification: Uncertain significance for Inborn genetic diseases. Last evaluated: 2022-11-08. Review status: criteria provided, single submitter. Criteria: Ambry Variant Classification Scheme 2023. Collection method: clinical testing. Allele origin: germline.